The following is an entry in ClinVar:

ClinVar aggregate classification (germline): Benign/Likely benign. Review status: criteria provided, multiple submitters, no conflicts (2 of 4 stars). 3 submissions from 3 submitters: Benign (1); Likely benign (1). 1 of the submissions does not count toward it. Last evaluated 2026-02-03.

Conditions:
UNC80-related disorder. Also called: UNC80-related condition.

Allele frequency attached by ClinVar (database versions not stated): gnomAD exomes 0.00053 and 0.00124; ExAC 0.00229; ESP Exome Variant Server 0.00526; gnomAD 0.00533 and 0.00558; TOPMed 0.00624; 1000 Genomes Project 0.00819; 1000 Genomes Project 30x 0.00828.
gnomAD v4.1: 1,575 of 1,551,682 alleles (0.1%); highest among the groups gnomAD compares: African/African-American, 1.7%; 14 homozygotes.

Submissions (3):

Labcorp Genetics (formerly Invitae), Labcorp
Classification: Benign. Last evaluated: 2026-02-03. Review status: criteria provided, single submitter. Criteria: Invitae Variant Classification Sherloc (09022015). Collection method: clinical testing. Allele origin: germline.

Blueprint Genetics
Classification: Likely benign. Last evaluated: 2024-11-04. Review status: criteria provided, single submitter. Criteria: ACMG Guidelines, 2015. Collection method: clinical testing. Allele origin: germline.

PreventionGenetics, part of Exact Sciences
Classification: Benign for UNC80-related condition. Last evaluated: 2019-09-17. Review status: no assertion criteria provided. Collection method: clinical testing. Allele origin: germline. Not counted in ClinVar's aggregate classification.
Comment: This variant is classified as benign based on ACMG/AMP sequence variant interpretation guidelines (Richards et al. 2015 PMID: 25741868, with internal and published modifications).

NM_001371986.1(UNC80):c.5307C>T (p.Ser1769=)

Genes: UNC80 (unc-80 subunit of NALCN channel complex; plus strand), LOC126806490 (P300/CBP strongly-dependent group 1 enhancer GRCh37_chr2:210782411-210783610; plus strand). Cytogenetic location: 2q34.
Variant type: single nucleotide variant.
Coding change: c.5307C>T on transcript NM_001371986.1 (MANE Select); coding-DNA position 5307, C replaced by T.
Protein change: p.Ser1769=; no amino-acid change (serine 1769 retained).
Molecular consequence: synonymous variant.
Genome position (GRCh38, 1-based): chr2:209,918,627, C>T. VCF-style: chr2-209918627-C-T. GRCh37 (hg19) VCF-style: chr2-210783351-C-T.
Other names: c.5109C>T, p.Ser1703= (NM_032504.2); c.5094C>T, p.Ser1698= (NM_182587.4).
Identifiers: ClinVar variation 785989 (VCV000785989.14), dbSNP rs142772403, ClinGen allele CA2083277.
Genomic context (GRCh38, chr2:209,918,627, plus strand): 5'-GCCGGTGCTTGGAATGCCATCCGTCCCAATGTTTGACCCACCGTGGGTTCCTCAGTGCAG[C>T]GGGAGTGTCCAGGACCCCATTAATGAAGACCAGTCTGTGAGTAACAGACACTTCCAGGTT-3'
Protein context (NP_001358915.1, residues 1759-1779): MFDPPWVPQC[Ser1769=]GSVQDPINED